The following is an entry in ClinVar:

NM_000701.8(ATP1A1):c.53A>G (p.Gln18Arg)

Gene: ATP1A1 (ATPase Na+/K+ transporting subunit alpha 1; plus strand). Cytogenetic location: 1p13.1.
Variant type: single nucleotide variant.
Coding change: c.53A>G on transcript NM_000701.8 (MANE Select); coding-DNA position 53, A replaced by G.
Protein change: p.Gln18Arg; replaces glutamine 18 with arginine.
Molecular consequence: missense variant. On other transcripts: 5 prime UTR variant (1).
Genome position (GRCh38, 1-based): chr1:116,384,054, A>G. VCF-style: chr1-116384054-A-G. GRCh37 (hg19) VCF-style: chr1-116926676-A-G.
Other names: c.53A>G, p.Gln18Arg (NM_001160233.2); c.-41A>G (NM_001160234.2); c.53A>G (NM_000701.7); short protein forms Q18R.
Identifiers: ClinVar variation 1424041 (VCV001424041.8), dbSNP rs2101037917, ClinGen allele CA341840246.

ClinVar aggregate classification (germline): Uncertain significance. Review status: criteria provided, single submitter (1 of 4 stars). 2 submissions from 2 submitters: Uncertain significance (1). 1 of the submissions does not count toward it. Last evaluated 2022-07-06.

Conditions:
ATP1A1-related disorder. Also called: ATP1A1-related condition.

Allele frequency attached by ClinVar (database versions not stated): gnomAD exomes below 0.00001.
gnomAD v4.1: 2 of 1,614,152 alleles (0.00012%); highest among the groups gnomAD compares: Non-Finnish European, 0.00017%; no homozygotes.

Submissions (2):

Labcorp Genetics (formerly Invitae), Labcorp
Classification: Uncertain significance. Last evaluated: 2022-07-06. Review status: criteria provided, single submitter. Criteria: Invitae Variant Classification Sherloc (09022015). Collection method: clinical testing. Allele origin: germline.
Comment: This variant is not present in population databases (gnomAD no frequency). In summary, the available evidence is currently insufficient to determine the role of this variant in disease. Therefore, it has been classified as a Variant of Uncertain Significance. Advanced modeling of protein sequence and biophysical properties (such as structural, functional, and spatial information, amino acid conservation, physicochemical variation, residue mobility, and thermodynamic stability) performed at Invitae indicates that this missense variant is not expected to disrupt ATP1A1 protein function. ClinVar contains an entry for this variant (Variation ID: 1424041). This variant has not been reported in the literature in individuals affected with ATP1A1-related conditions. This sequence change replaces glutamine, which is neutral and polar, with arginine, which is basic and polar, at codon 18 of the ATP1A1 protein (p.Gln18Arg).

PreventionGenetics, part of Exact Sciences
Classification: Uncertain significance for ATP1A1-related condition. Last evaluated: 2023-12-13. Review status: no assertion criteria provided. Collection method: clinical testing. Allele origin: germline. Not counted in ClinVar's aggregate classification.
Comment: The ATP1A1 c.53A>G variant is predicted to result in the amino acid substitution p.Gln18Arg. To our knowledge, this variant has not been reported in the literature or in a large population database, indicating this variant is rare. At this time, the clinical significance of this variant is uncertain due to the absence of conclusive functional and genetic evidence.